The following is an entry in ClinVar:

ClinVar aggregate classification (germline): Uncertain significance (0 of 4 stars; one submission).

Conditions:
GABRB2-related disorder. Also called: GABRB2-related condition.

Submission:

PreventionGenetics, part of Exact Sciences
Classification: Uncertain significance for GABRB2-related condition. Last evaluated: 2024-06-10. Review status: no assertion criteria provided. Collection method: clinical testing. Allele origin: germline.
Comment: The GABRB2 c.296A>C variant is predicted to result in the amino acid substitution p.Asn99Thr. To our knowledge, this variant has not been reported in the literature or in a large population database, indicating this variant is rare. At this time, the clinical significance of this variant is uncertain due to the absence of conclusive functional and genetic evidence.

NM_001371727.1(GABRB2):c.296A>C (p.Asn99Thr)

Gene: GABRB2 (gamma-aminobutyric acid type A receptor subunit beta2; minus strand). Cytogenetic location: 5q34.
Variant type: single nucleotide variant.
Coding change: c.296A>C on transcript NM_001371727.1 (MANE Select); coding-DNA position 296, A replaced by C.
Protein change: p.Asn99Thr; replaces asparagine 99 with threonine.
Molecular consequence: missense variant.
Genome position (GRCh38, 1-based): chr5:161,459,786, T>G on the plus strand (A>C on the coding strand, the complement: GABRB2 is on the minus strand). VCF-style: chr5-161459786-T-G. GRCh37 (hg19) VCF-style: chr5-160886792-T-G.
Other names: c.296A>C, p.Asn99Thr (NM_000813.3, NM_021911.3); short protein forms N99T.
Identifiers: ClinVar variation 3354439 (VCV003354439.1).